The following is an entry in ClinVar:

NM_000977.4(RPL13):c.533C>A (p.Ala178Asp)

Gene: RPL13 (ribosomal protein L13; plus strand). Cytogenetic location: 16q24.3.
Variant type: single nucleotide variant.
Coding change: c.533C>A on transcript NM_000977.4 (MANE Select); coding-DNA position 533, C replaced by A.
Protein change: p.Ala178Asp; replaces alanine 178 with aspartic acid.
Molecular consequence: missense variant.
Genome position (GRCh38, 1-based): chr16:89,562,939, C>A. VCF-style: chr16-89562939-C-A. GRCh37 (hg19) VCF-style: chr16-89629347-C-A.
Other names: c.392C>A, p.Ala131Asp (NM_001243131.1); c.533C>A, p.Ala178Asp (NM_033251.2); short protein forms A131D, A178D.
Identifiers: ClinVar variation 813853 (VCV000813853.1), dbSNP rs934768094, ClinGen allele CA397422621.

ClinVar aggregate classification (germline): Pathogenic (0 of 4 stars; one submission).

Conditions:
Spondyloepimetaphyseal dysplasia, Isidor-Toutain type. Identifiers: MedGen C5231478, MONDO:0032885, OMIM 618728.

Submission:

Center for Molecular Medicine, Karolinska Institute
Classification: Pathogenic for Spondyloepimetaphyseal dysplasia, Isidor-Toutain type. Last evaluated: 2019-12-15. Review status: no assertion criteria provided. Collection method: research. Allele origin: germline. Affected: yes.
Comment: PMID number will be provide as soon as the paper is accepted for publication